The following is an entry in ClinVar:

ClinVar aggregate classification (germline): Conflicting classifications of pathogenicity. Review status: criteria provided, conflicting classifications (1 of 4 stars). 4 submissions from 4 submitters: Uncertain significance (3); Likely benign (1). Last evaluated 2026-03-31.

Conditions:
Inborn genetic diseases. Identifiers: MedGen C0950123, MeSH D030342.
NBAS-related disorder. Also called: NBAS-related condition.

Allele frequency attached by ClinVar (database versions not stated): gnomAD exomes 0.00009 and 0.00012; ExAC 0.00015; ESP Exome Variant Server 0.00031; gnomAD 0.00037 and 0.00041; TOPMed 0.00040; 1000 Genomes Project 30x 0.00047; 1000 Genomes Project 0.00060.
gnomAD v4.1: 186 of 1,614,018 alleles (0.012%); highest among the groups gnomAD compares: African/African-American, 0.12%; no homozygotes.

Submissions (4):

PreventionGenetics, part of Exact Sciences
Classification: Uncertain significance for NBAS-related condition. Last evaluated: 2026-03-31. Review status: criteria provided, single submitter. Criteria: ACMG Guidelines, 2015. Collection method: clinical testing. Allele origin: germline.
Comment: The NBAS c.4294G>A variant is predicted to result in the amino acid substitution p.Val1432Ile. To our knowledge, this variant has not been reported in the literature. However, this variant is reported in 0.11% of alleles in individuals of African descent in gnomAD, which may be too frequent to be a primary cause of disease. Although we suspect that this variant may be benign, the clinical significance of this variant is currently classified as uncertain due to the absence of conclusive functional and genetic evidence.

Labcorp Genetics (formerly Invitae), Labcorp
Classification: Likely benign. Last evaluated: 2026-01-25. Review status: criteria provided, single submitter. Criteria: Invitae Variant Classification Sherloc (09022015). Collection method: clinical testing. Allele origin: germline.

Revvity Omics, Revvity
Classification: Uncertain significance. Last evaluated: 2024-11-13. Review status: criteria provided, single submitter. Criteria: ACMG Guidelines, 2015. Collection method: clinical testing. Allele origin: germline.

Ambry Genetics
Classification: Uncertain significance for Inborn genetic diseases. Last evaluated: 2024-04-04. Review status: criteria provided, single submitter. Criteria: Ambry Variant Classification Scheme 2023. Collection method: clinical testing. Allele origin: germline.

NM_015909.4(NBAS):c.4294G>A (p.Val1432Ile)

Gene: NBAS (NBAS subunit of NRZ tethering complex; minus strand). Cytogenetic location: 2p24.3.
Variant type: single nucleotide variant.
Coding change: c.4294G>A on transcript NM_015909.4 (MANE Select); coding-DNA position 4294, G replaced by A.
Protein change: p.Val1432Ile; replaces valine 1432 with isoleucine.
Molecular consequence: missense variant. On other transcripts: non-coding transcript variant (1).
Genome position (GRCh38, 1-based): chr2:15,330,651, C>T on the plus strand (G>A on the coding strand, the complement: NBAS is on the minus strand). VCF-style: chr2-15330651-C-T. GRCh37 (hg19) VCF-style: chr2-15470775-C-T.
Other names: c.4294G>A (NM_015909.2, NM_015909.3); short protein forms V1432I.
Identifiers: ClinVar variation 1411454 (VCV001411454.9), dbSNP rs139954703, ClinGen allele CA1535712.